The following is an entry in ClinVar:

NM_033026.6(PCLO):c.11552A>G (p.His3851Arg)

Gene: PCLO (piccolo presynaptic cytomatrix protein; minus strand). Cytogenetic location: 7q21.11.
Variant type: single nucleotide variant.
Coding change: c.11552A>G on transcript NM_033026.6 (MANE Select); coding-DNA position 11552, A replaced by G.
Protein change: p.His3851Arg; replaces histidine 3851 with arginine.
Molecular consequence: missense variant.
Genome position (GRCh38, 1-based): chr7:82,916,434, T>C on the plus strand (A>G on the coding strand, the complement: PCLO is on the minus strand). VCF-style: chr7-82916434-T-C. GRCh37 (hg19) VCF-style: chr7-82545750-T-C.
Other names: c.11552A>G, p.His3851Arg (NM_014510.3); short protein forms H3851R.
Identifiers: ClinVar variation 3675619 (VCV003675619.2).

ClinVar aggregate classification (germline): Uncertain significance (1 of 4 stars; one submission).

gnomAD v4.1: 2 of 1,613,624 alleles (0.00012%); highest among the groups gnomAD compares: Non-Finnish European, 0.000085%; no homozygotes.

Submission:

Labcorp Genetics (formerly Invitae), Labcorp
Classification: Uncertain significance. Last evaluated: 2024-02-02. Review status: criteria provided, single submitter. Criteria: Invitae Variant Classification Sherloc (09022015). Collection method: clinical testing. Allele origin: germline.
Comment: This sequence change replaces histidine, which is basic and polar, with arginine, which is basic and polar, at codon 3851 of the PCLO protein (p.His3851Arg). This variant is not present in population databases (gnomAD no frequency). This variant has not been reported in the literature in individuals affected with PCLO-related conditions. Experimental studies and prediction algorithms are not available or were not evaluated, and the functional significance of this variant is currently unknown. In summary, the available evidence is currently insufficient to determine the role of this variant in disease. Therefore, it has been classified as a Variant of Uncertain Significance.